The following is an entry in ClinVar:

ClinVar aggregate classification (germline): Uncertain significance. Review status: criteria provided, multiple submitters, no conflicts (2 of 4 stars). 2 submissions from 2 submitters: Uncertain significance (2). Last evaluated 2022-03-29.

Conditions:
Rotor syndrome (HBLRR). Also called: HYPERBILIRUBINEMIA, ROTOR TYPE, DIGENIC; HYPERBILIRUBINEMIA, ROTOR TYPE. Identifiers: Orphanet 3111, MedGen C0220991, MONDO:0009379, OMIM 237450.

Allele frequency attached by ClinVar (database versions not stated): gnomAD 0.00014 and 0.00019; 1000 Genomes Project 30x 0.00016; TOPMed 0.00017; 1000 Genomes Project 0.00020; ESP Exome Variant Server 0.00023; ExAC 0.00036; gnomAD exomes 0.00040.

Submissions (2):

Revvity Omics, Revvity
Classification: Uncertain significance for Rotor syndrome. Last evaluated: 2022-03-29. Review status: criteria provided, single submitter. Criteria: ACMG Guidelines, 2015. Collection method: clinical testing. Allele origin: germline.

Illumina Laboratory Services, Illumina
Classification: Uncertain significance for Rotor syndrome. Last evaluated: 2017-04-27. Review status: criteria provided, single submitter. Criteria: ICSL Variant Classification Criteria 13 December 2019. Collection method: clinical testing. Allele origin: germline.
Comment: This variant was observed as part of a predisposition screen in an ostensibly healthy population. A literature search was performed for the gene, cDNA change, and amino acid change (where applicable). Publications were found based on this search. However, the evidence from the literature, in combination with allele frequency data from public databases where available, was not sufficient to rule this variant in or out of causing disease. Therefore, this variant is classified as a variant of unknown significance.

Literature cited by the submitters: PubMed 22013971 (cited by Illumina Laboratory Services, Illumina); PubMed 20821001 (cited by Illumina Laboratory Services, Illumina).

NM_006446.5(SLCO1B1):c.170G>A (p.Arg57Gln)

Gene: SLCO1B1 (solute carrier organic anion transporter family member 1B1; plus strand). Cytogenetic location: 12p12.1.
Variant type: single nucleotide variant.
Coding change: c.170G>A on transcript NM_006446.5 (MANE Select); coding-DNA position 170, G replaced by A.
Protein change: p.Arg57Gln; replaces arginine 57 with glutamine.
Molecular consequence: missense variant.
Genome position (GRCh38, 1-based): chr12:21,172,735, G>A. VCF-style: chr12-21172735-G-A. GRCh37 (hg19) VCF-style: chr12-21325669-G-A.
Other names: short protein forms R57Q.
Identifiers: ClinVar variation 881968 (VCV000881968.6), dbSNP rs61760182, ClinGen allele CA6476605.